The following is an entry in ClinVar:

NM_004360.5(CDH1):c.394G>T (p.Val132Phe)

Gene: CDH1 (cadherin 1; plus strand). Cytogenetic location: 16q22.1.
Variant type: single nucleotide variant.
Coding change: c.394G>T on transcript NM_004360.5 (MANE Select); coding-DNA position 394, G replaced by T.
Protein change: p.Val132Phe; replaces valine 132 with phenylalanine.
Molecular consequence: missense variant. On other transcripts: 5 prime UTR variant (2).
Genome position (GRCh38, 1-based): chr16:68,808,430, G>T. VCF-style: chr16-68808430-G-T. GRCh37 (hg19) VCF-style: chr16-68842333-G-T.
Other names: c.394G>T, p.Val132Phe (NM_001317184.2); c.-1222G>T (NM_001317185.2); c.-1426G>T (NM_001317186.2); short protein forms V132F.
Identifiers: ClinVar variation 921474 (VCV000921474.8), dbSNP rs142498771, ClinGen allele CA396457530.

ClinVar aggregate classification (germline): Uncertain significance. Review status: criteria provided, multiple submitters, no conflicts (2 of 4 stars). 2 submissions from 2 submitters: Uncertain significance (2). Last evaluated 2021-09-18.

Conditions:
Hereditary cancer-predisposing syndrome. Also called: Hereditary Cancer Syndrome; Hereditary neoplastic syndrome; Neoplastic Syndromes, Hereditary; Tumor predisposition. Identifiers: Orphanet 140162, MedGen C0027672, MeSH D009386, MONDO:0015356.
Hereditary diffuse gastric adenocarcinoma (HDGC). Also called: DIFFUSE GASTRIC AND LOBULAR BREAST CANCER SYNDROME. Identifiers: Orphanet 26106, MedGen C1708349, MONDO:0007648, OMIM 137215.

Submissions (2):

Labcorp Genetics (formerly Invitae), Labcorp
Classification: Uncertain significance for Hereditary diffuse gastric adenocarcinoma. Last evaluated: 2021-09-18. Review status: criteria provided, single submitter. Criteria: Invitae Variant Classification Sherloc (09022015). Collection method: clinical testing. Allele origin: germline.
Comment: ClinVar contains an entry for this variant (Variation ID: 921474). Algorithms developed to predict the effect of missense changes on protein structure and function output the following: SIFT: "Tolerated"; PolyPhen-2: "Benign"; Align-GVGD: "Class C0". The phenylalanine amino acid residue is found in multiple mammalian species, which suggests that this missense change does not adversely affect protein function. In summary, the available evidence is currently insufficient to determine the role of this variant in disease. Therefore, it has been classified as a Variant of Uncertain Significance. This variant has not been reported in the literature in individuals affected with CDH1-related conditions. This sequence change replaces valine with phenylalanine at codon 132 of the CDH1 protein (p.Val132Phe). The valine residue is weakly conserved and there is a small physicochemical difference between valine and phenylalanine. This variant is not present in population databases (ExAC no frequency).

Color Diagnostics, LLC DBA Color Health
Classification: Uncertain significance for Hereditary cancer-predisposing syndrome. Last evaluated: 2019-02-20. Review status: criteria provided, single submitter. Criteria: ACMG Guidelines, 2015. Collection method: clinical testing. Allele origin: germline.